The following is an entry in ClinVar:

ClinVar aggregate classification (germline): Uncertain significance (1 of 4 stars; one submission).

Submission:

Labcorp Genetics (formerly Invitae), Labcorp
Classification: Uncertain significance. Last evaluated: 2024-04-29. Review status: criteria provided, single submitter. Criteria: Invitae Variant Classification Sherloc (09022015). Collection method: clinical testing. Allele origin: germline.
Comment: This sequence change replaces serine, which is neutral and polar, with proline, which is neutral and non-polar, at codon 801 of the ADGRV1 protein (p.Ser801Pro). This variant is not present in population databases (gnomAD no frequency). This variant has not been reported in the literature in individuals affected with ADGRV1-related conditions. ClinVar contains an entry for this variant (Variation ID: 1714174). Advanced modeling of protein sequence and biophysical properties (such as structural, functional, and spatial information, amino acid conservation, physicochemical variation, residue mobility, and thermodynamic stability) performed at Invitae indicates that this missense variant is not expected to disrupt ADGRV1 protein function with a negative predictive value of 95%. In summary, the available evidence is currently insufficient to determine the role of this variant in disease. Therefore, it has been classified as a Variant of Uncertain Significance.

NM_032119.4(ADGRV1):c.2401T>C (p.Ser801Pro)

Gene: ADGRV1 (adhesion G protein-coupled receptor V1; plus strand). Cytogenetic location: 5q14.3.
Variant type: single nucleotide variant.
Coding change: c.2401T>C on transcript NM_032119.4 (MANE Select); coding-DNA position 2401, T replaced by C.
Protein change: p.Ser801Pro; replaces serine 801 with proline.
Molecular consequence: missense variant. On other transcripts: non-coding transcript variant (1).
Genome position (GRCh38, 1-based): chr5:90,642,889, T>C. VCF-style: chr5-90642889-T-C. GRCh37 (hg19) VCF-style: chr5-89938706-T-C.
Other names: short protein forms S801P.
Identifiers: ClinVar variation 1714174 (VCV001714174.5), dbSNP rs2531979761, ClinGen allele CA360387787.